The following is an entry in ClinVar:

NM_006996.3(SLC19A2):c.1087G>A (p.Glu363Lys)

Gene: SLC19A2 (solute carrier family 19 member 2; minus strand). Cytogenetic location: 1q24.2.
Variant type: single nucleotide variant.
Coding change: c.1087G>A on transcript NM_006996.3 (MANE Select); coding-DNA position 1087, G replaced by A.
Protein change: p.Glu363Lys; replaces glutamic acid 363 with lysine.
Molecular consequence: missense variant.
Genome position (GRCh38, 1-based): chr1:169,468,780, C>T on the plus strand (G>A on the coding strand, the complement: SLC19A2 is on the minus strand). VCF-style: chr1-169468780-C-T. GRCh37 (hg19) VCF-style: chr1-169438018-C-T.
Other names: c.484G>A, p.Glu162Lys (NM_001319667.1); short protein forms E363K, E162K.
Identifiers: ClinVar variation 2015238 (VCV002015238.3), dbSNP rs2101773776, ClinGen allele CA343128776.

ClinVar aggregate classification (germline): Uncertain significance (1 of 4 stars; one submission).

Submission:

Labcorp Genetics (formerly Invitae), Labcorp
Classification: Uncertain significance. Last evaluated: 2024-02-24. Review status: criteria provided, single submitter. Criteria: Invitae Variant Classification Sherloc (09022015). Collection method: clinical testing. Allele origin: germline.
Comment: This sequence change replaces glutamic acid, which is acidic and polar, with lysine, which is basic and polar, at codon 363 of the SLC19A2 protein (p.Glu363Lys). This variant is not present in population databases (gnomAD no frequency). This variant has not been reported in the literature in individuals affected with SLC19A2-related conditions. ClinVar contains an entry for this variant (Variation ID: 2015238). Advanced modeling of protein sequence and biophysical properties (such as structural, functional, and spatial information, amino acid conservation, physicochemical variation, residue mobility, and thermodynamic stability) performed at Invitae indicates that this missense variant is not expected to disrupt SLC19A2 protein function with a negative predictive value of 80%. In summary, the available evidence is currently insufficient to determine the role of this variant in disease. Therefore, it has been classified as a Variant of Uncertain Significance.